The following is an entry in ClinVar:

NM_024642.5(GALNT12):c.782A>G (p.Asp261Gly)

Gene: GALNT12 (polypeptide N-acetylgalactosaminyltransferase 12; plus strand). Cytogenetic location: 9q22.33.
Variant type: single nucleotide variant.
Coding change: c.782A>G on transcript NM_024642.5 (MANE Select); coding-DNA position 782, A replaced by G.
Protein change: p.Asp261Gly; replaces aspartic acid 261 with glycine.
Molecular consequence: missense variant.
Genome position (GRCh38, 1-based): chr9:98,831,822, A>G. VCF-style: chr9-98831822-A-G. GRCh37 (hg19) VCF-style: chr9-101594104-A-G.
Other names: short protein forms D261G.
Identifiers: ClinVar variation 3227960 (VCV003227960.1), dbSNP rs1386229808, ClinGen allele CA374217992.

ClinVar aggregate classification (germline): Uncertain significance (1 of 4 stars; one submission).

gnomAD v4.1: 2 of 1,614,206 alleles (0.00012%); highest among the groups gnomAD compares: Middle Eastern, 0.016%; no homozygotes.

Submission:

Ambry Genetics
Classification: Uncertain significance. Last evaluated: 2024-01-12. Review status: criteria provided, single submitter. Criteria: Ambry Variant Classification Scheme 2023. Collection method: clinical testing. Allele origin: germline.
Comment: The p.D261G variant (also known as c.782A>G), located in coding exon 4 of the GALNT12 gene, results from an A to G substitution at nucleotide position 782. The aspartic acid at codon 261 is replaced by glycine, an amino acid with similar properties. This amino acid position is conserved. In addition, this alteration is predicted to be deleterious by in silico analysis. Since supporting evidence is limited at this time, the clinical significance of this alteration remains unclear.